The following is an entry in ClinVar:

ClinVar aggregate classification (germline): Uncertain significance (1 of 4 stars; one submission).

gnomAD v4.1: 2 of 1,614,038 alleles (0.00012%); highest among the groups gnomAD compares: Non-Finnish European, 0.00017%; no homozygotes.

Submission:

Labcorp Genetics (formerly Invitae), Labcorp
Classification: Uncertain significance. Last evaluated: 2025-03-07. Review status: criteria provided, single submitter. Criteria: Invitae Variant Classification Sherloc (09022015). Collection method: clinical testing. Allele origin: germline.
Comment: This sequence change replaces proline, which is neutral and non-polar, with histidine, which is basic and polar, at codon 774 of the COL4A1 protein (p.Pro774His). This variant is present in population databases (no rsID available, gnomAD 0.0009%). This variant has not been reported in the literature in individuals affected with COL4A1-related conditions. Invitae Evidence Modeling of protein sequence and biophysical properties (such as structural, functional, and spatial information, amino acid conservation, physicochemical variation, residue mobility, and thermodynamic stability) indicates that this missense variant is not expected to disrupt COL4A1 protein function with a negative predictive value of 95%. In summary, the available evidence is currently insufficient to determine the role of this variant in disease. Therefore, it has been classified as a Variant of Uncertain Significance.

NM_001845.6(COL4A1):c.2321C>A (p.Pro774His)

Gene: COL4A1 (collagen type IV alpha 1 chain; minus strand). Cytogenetic location: 13q34.
Variant type: single nucleotide variant.
Coding change: c.2321C>A on transcript NM_001845.6 (MANE Select); coding-DNA position 2321, C replaced by A.
Protein change: p.Pro774His; replaces proline 774 with histidine.
Molecular consequence: missense variant.
Genome position (GRCh38, 1-based): chr13:110,179,294, G>T on the plus strand (C>A on the coding strand, the complement: COL4A1 is on the minus strand). VCF-style: chr13-110179294-G-T. GRCh37 (hg19) VCF-style: chr13-110831641-G-T.
Other names: short protein forms P774H.
Identifiers: ClinVar variation 4746043 (VCV004746043.1).
Genomic context (GRCh38, chr13:110,179,294, plus strand): 5'-TCCTCGAAACCCTCCAGACTGATCTGCATGAAGTTACCTCTGATCCCCTGAAGCCCAGGG[G>T]GTCCGATCGCTCCATGTTCTCCAGGAACGCCTGGTACCCCAATGCTCCCCTTCTCCCCGG-3'
Protein context (NP_001836.3, residues 764-784): GVPGEHGAIG[Pro774His]PGLQGIRGEP